The following is an entry in ClinVar:

NM_000883.4(IMPDH1):c.1074G>C (p.Leu358Phe)

Gene: IMPDH1 (inosine monophosphate dehydrogenase 1; minus strand). Cytogenetic location: 7q32.1.
Variant type: single nucleotide variant.
Coding change: c.1074G>C on transcript NM_000883.4 (MANE Select); coding-DNA position 1074, G replaced by C.
Protein change: p.Leu358Phe; replaces leucine 358 with phenylalanine.
Molecular consequence: missense variant.
Genome position (GRCh38, 1-based): chr7:128,398,414, C>G on the plus strand (G>C on the coding strand, the complement: IMPDH1 is on the minus strand). VCF-style: chr7-128398414-C-G. GRCh37 (hg19) VCF-style: chr7-128038468-C-G.
Other names: c.1044G>C, p.Leu348Phe (NM_001102605.2); c.819G>C, p.Leu273Phe (NM_001142573.2); c.804G>C, p.Leu268Phe (NM_001142574.2); c.744G>C, p.Leu248Phe (NM_001142575.2); c.975G>C, p.Leu325Phe (NM_001142576.2); c.867G>C, p.Leu289Phe (NM_001304521.2); c.966G>C, p.Leu322Phe (NM_183243.3); short protein forms L248F, L325F, L273F, L289F, L268F, L348F, L358F, L322F.
Identifiers: ClinVar variation 1376064 (VCV001376064.7), dbSNP rs1584727593, ClinGen allele CA369167732.

ClinVar aggregate classification (germline): Uncertain significance (1 of 4 stars; one submission).

Allele frequency attached by ClinVar (database versions not stated): gnomAD exomes below 0.00001.
gnomAD v4.1: 1 of 1,612,808 alleles (0.000062%); highest among the groups gnomAD compares: Non-Finnish European, 0.000085%; no homozygotes.

Submissions (2):

Labcorp Genetics (formerly Invitae), Labcorp
Classification: Uncertain significance. Last evaluated: 2022-08-16. Review status: criteria provided, single submitter. Criteria: Invitae Variant Classification Sherloc (09022015). Collection method: clinical testing. Allele origin: germline.
Comment: Variants that disrupt the consensus splice site are a relatively common cause of aberrant splicing (PMID: 17576681, 9536098). Algorithms developed to predict the effect of sequence changes on RNA splicing suggest that this variant may disrupt the consensus splice site. Algorithms developed to predict the effect of missense changes on protein structure and function are either unavailable or do not agree on the potential impact of this missense change (SIFT: "Deleterious"; PolyPhen-2: "Probably Damaging"; Align-GVGD: "Class C0"). ClinVar contains an entry for this variant (Variation ID: 1376064). This missense change has been observed in individual(s) with retinitis pigmentosa (Invitae). This variant is not present in population databases (gnomAD no frequency). This sequence change replaces leucine, which is neutral and non-polar, with phenylalanine, which is neutral and non-polar, at codon 358 of the IMPDH1 protein (p.Leu358Phe). This variant also falls at the last nucleotide of exon 10, which is part of the consensus splice site for this exon. In summary, the available evidence is currently insufficient to determine the role of this variant in disease. Therefore, it has been classified as a Variant of Uncertain Significance.

Dr. Peter K. Rogan Lab, Western University
No classification provided (evidence only). Condition: Melanoma. Review status: no classification provided. Collection method: in vitro. Allele origin: not applicable. Functional consequence: retained intron. Not counted in ClinVar's aggregate classification.

Literature cited by the submitters: PubMed 17576681 (cited by Labcorp Genetics (formerly Invitae), Labcorp); PubMed 9536098 (cited by Labcorp Genetics (formerly Invitae), Labcorp).